The following is an entry in ClinVar:

ClinVar aggregate classification (germline): Uncertain significance. Review status: criteria provided, multiple submitters, no conflicts (2 of 4 stars). 3 submissions from 3 submitters: Uncertain significance (3). Last evaluated 2025-09-23.

Conditions:
Inborn genetic diseases. Identifiers: MedGen C0950123, MeSH D030342.
INPP5E-related disorder. Also called: INPP5E-related condition.
Joubert syndrome. Also called: Familial aplasia of the vermis; JOUBERT-BOLTSHAUSER SYNDROME. Identifiers: Orphanet 475, MedGen C5979921, MONDO:0018772.

Allele frequency attached by ClinVar (database versions not stated): gnomAD 0.00001; TOPMed 0.00001; ExAC 0.00004.
gnomAD v4.1: 14 of 1,581,954 alleles (0.00088%); highest among the groups gnomAD compares: East Asian, 0.0046%; no homozygotes.

Submissions (3):

PreventionGenetics, part of Exact Sciences
Classification: Uncertain significance for INPP5E-related condition. Last evaluated: 2025-09-23. Review status: criteria provided, single submitter. Criteria: ACMG Guidelines, 2015. Collection method: clinical testing. Allele origin: germline.
Comment: The INPP5E c.314C>T variant is predicted to result in the amino acid substitution p.Ala105Val. To our knowledge, this variant has not been reported in the literature. This variant is reported in 0.012% of alleles in individuals of East Asian descent in gnomAD. At this time, the clinical significance of this variant is uncertain due to the absence of conclusive functional and genetic evidence.

Ambry Genetics
Classification: Uncertain significance for Inborn genetic diseases. Last evaluated: 2025-01-21. Review status: criteria provided, single submitter. Criteria: Ambry Variant Classification Scheme 2023. Collection method: clinical testing. Allele origin: germline.

Labcorp Genetics (formerly Invitae), Labcorp
Classification: Uncertain significance for Joubert syndrome. Last evaluated: 2021-09-16. Review status: criteria provided, single submitter. Criteria: Invitae Variant Classification Sherloc (09022015). Collection method: clinical testing. Allele origin: germline.
Comment: This sequence change replaces alanine with valine at codon 105 of the INPP5E protein (p.Ala105Val). The alanine residue is weakly conserved and there is a small physicochemical difference between alanine and valine. The frequency data for this variant in the population databases is considered unreliable, as metrics indicate poor data quality at this position in the ExAC database. This variant has not been reported in the literature in individuals affected with INPP5E-related conditions. Advanced modeling of protein sequence and biophysical properties (such as structural, functional, and spatial information, amino acid conservation, physicochemical variation, residue mobility, and thermodynamic stability) performed at Invitae indicates that this missense variant is not expected to disrupt INPP5E protein function. In summary, the available evidence is currently insufficient to determine the role of this variant in disease. Therefore, it has been classified as a Variant of Uncertain Significance.

NM_019892.6(INPP5E):c.314C>T (p.Ala105Val)

Gene: INPP5E (inositol polyphosphate-5-phosphatase E; minus strand). Cytogenetic location: 9q34.3.
Variant type: single nucleotide variant.
Coding change: c.314C>T on transcript NM_019892.6 (MANE Select); coding-DNA position 314, C replaced by T.
Protein change: p.Ala105Val; replaces alanine 105 with valine.
Molecular consequence: missense variant.
Genome position (GRCh38, 1-based): chr9:136,439,106, G>A on the plus strand (C>T on the coding strand, the complement: INPP5E is on the minus strand). VCF-style: chr9-136439106-G-A. GRCh37 (hg19) VCF-style: chr9-139333558-G-A.
Other names: c.314C>T, p.Ala105Val (NM_001318502.2); c.314C>T (NM_019892.4, NM_019892.5); short protein forms A105V.
Identifiers: ClinVar variation 1478031 (VCV001478031.5), dbSNP rs779751422, ClinGen allele CA5337183.